The following is an entry in ClinVar:

NM_138694.4(PKHD1):c.8916dup (p.Ser2973fs)

Gene: PKHD1 (PKHD1 ciliary IPT domain containing fibrocystin/polyductin; minus strand). Cytogenetic location: 6p12.3.
Variant type: Duplication.
Coding change: c.8916dup on transcript NM_138694.4 (MANE Select); coding-DNA position 8916, one base duplicated (G; older notation c.8916dupG).
Protein change: p.Ser2973fs; shifts the reading frame from serine 2973.
Molecular consequence: frameshift variant.
Genome position (GRCh38, 1-based): chr6:51,753,235, C duplicated on the plus strand (G on the coding strand, the reverse complement: PKHD1 is on the minus strand); the first of 4 consecutive C bases (chr6:51,753,235-51,753,238); duplicating any one gives the same sequence. VCF-style (leftmost placement, unchanged base first): chr6-51753234-A-AC. GRCh37 (hg19) VCF-style: chr6-51618032-A-AC.
Other names: c.8916dup, p.Ser2973fs (NM_170724.3); short protein forms S2973fs.
Identifiers: ClinVar variation 2821891 (VCV002821891.3), dbSNP rs2533913261, ClinGen allele CA2739273095.

ClinVar aggregate classification (germline): Pathogenic (1 of 4 stars; one submission).

Conditions:
Autosomal recessive polycystic kidney disease (ARPKD). Also called: AR polycystic kidney disease. Identifiers: Orphanet 731, Orphanet 8378, MedGen C0085548, MeSH D017044, MONDO:0009889.

Submission:

Labcorp Genetics (formerly Invitae), Labcorp
Classification: Pathogenic for Autosomal recessive polycystic kidney disease. Last evaluated: 2023-07-08. Review status: criteria provided, single submitter. Criteria: Invitae Variant Classification Sherloc (09022015). Collection method: clinical testing. Allele origin: germline.
Comment: For these reasons, this variant has been classified as Pathogenic. This variant has not been reported in the literature in individuals affected with PKHD1-related conditions. This variant is not present in population databases (gnomAD no frequency). This sequence change creates a premature translational stop signal (p.Ser2973Valfs*18) in the PKHD1 gene. It is expected to result in an absent or disrupted protein product. Loss-of-function variants in PKHD1 are known to be pathogenic (PMID: 19940839).

Literature cited by the submitters: PubMed 19940839.